The following is an entry in ClinVar:

ClinVar aggregate classification (germline): Conflicting classifications of pathogenicity. Review status: criteria provided, conflicting classifications (1 of 4 stars). 13 submissions from 10 submitters: Uncertain significance (10); Likely benign (2). 1 of the submissions does not count toward it. Last evaluated 2026-03-27.

Conditions:
F5-related disorder. Also called: F5-related condition.
Budd-Chiari syndrome (BDCHS). Also called: Hepatic vein obstruction. Identifiers: Orphanet 131, MedGen C0856761, MONDO:0010947, OMIM 600880, HP:0002639.
Thrombophilia due to thrombin defect (THPH1). Also called: Prothrombin Thrombophilia; Thrombosis susceptibility; THROMBOPHILIA DUE TO FACTOR 2 DEFECT; Prothrombin-Related Thrombophilia (Factor II). Identifiers: MedGen C3160733, MONDO:0008559, OMIM 188050. Disease mechanism: loss of function, gain of function.
Congenital factor V deficiency. Also called: LABILE FACTOR DEFICIENCY; OWREN PARAHEMOPHILIA; PARAHEMOPHILIA; Hereditary factor V deficiency disease. Identifiers: Orphanet 326, MedGen C0015499, MONDO:0009210, OMIM 227400.
Inborn genetic diseases. Identifiers: MedGen C0950123, MeSH D030342.
Thrombophilia due to activated protein C resistance (THPH2). Also called: PCCF DEFICIENCY; PROC COFACTOR DEFICIENCY; THROMBOPHILIA DUE TO DEFICIENCY OF ACTIVATED PROTEIN C COFACTOR; THROMBOPHILIA V; APC resistance; Activated protein C resistance. Identifiers: MedGen C1861171, MONDO:0008560, OMIM 188055. Disease mechanism: loss of function, gain of function.
Factor V deficiency. Also called: Reduced coagulation factor V activity. Identifiers: Orphanet 326, MedGen C4317320, MONDO:0020586, HP:0003225.
Hemorrhage. Identifiers: MedGen C0019080, MeSH D006470.
Ischemic stroke. Also called: CEREBROVASCULAR ACCIDENT; Ischemic stroke, susceptibility to. Identifiers: MedGen C0948008, MONDO:1060198, OMIM 601367, HP:0002140.
Pregnancy loss, recurrent, susceptibility to, 1 (RPRGL1). Also called: EMBRYONIC LOSS, RECURRENT; MISCARRIAGE, RECURRENT; STILLBIRTH, RECURRENT; FETAL LOSS, RECURRENT, SUSCEPTIBILITY TO. Identifiers: MedGen C3280670, MONDO:0013727, OMIM 614389.

Allele frequency attached by ClinVar (database versions not stated): TOPMed 0.00087; gnomAD exomes 0.00097 and 0.00107; ESP Exome Variant Server 0.00092; ExAC 0.00093; gnomAD 0.00109 and 0.00113.
gnomAD v4.1: 1,719 of 1,613,788 alleles (0.11%); highest among the groups gnomAD compares: Non-Finnish European, 0.12%; 1 homozygote.

Submissions (13):

GeneDx
Classification: Uncertain significance. Last evaluated: 2026-03-27. Review status: criteria provided, single submitter. Criteria: GeneDx Variant Classification Process June 2021. Collection method: clinical testing. Allele origin: germline.
Comment: In silico analysis suggests that this missense variant does not alter protein structure/function; This variant is associated with the following publications: (PMID: 34355501)

PreventionGenetics, part of Exact Sciences
Classification: Uncertain significance for F5-related condition. Last evaluated: 2026-02-12. Review status: criteria provided, single submitter. Criteria: ACMG Guidelines, 2015. Collection method: clinical testing. Allele origin: germline.
Comment: The F5 c.5265A>G variant is predicted to result in the amino acid substitution p.Ile1755Met. This variant was reported in single case of deep vein thrombosis and pulmonary embolism (Supplementary Table, Megy et al. 2021. PubMed ID: 34355501). This variant is reported in 0.41% of alleles in individuals of Ashkenazi Jewish descent in gnomAD. At this time, the clinical significance of this variant is uncertain due to the absence of conclusive functional and genetic evidence.

Labcorp Genetics (formerly Invitae), Labcorp
Classification: Likely benign for Congenital factor V deficiency. Last evaluated: 2026-02-03. Review status: criteria provided, single submitter. Criteria: Invitae Variant Classification Sherloc (09022015). Collection method: clinical testing. Allele origin: germline.

Ambry Genetics
Classification: Uncertain significance for Inborn genetic diseases. Last evaluated: 2025-11-10. Review status: criteria provided, single submitter. Criteria: Ambry Variant Classification Scheme 2023. Collection method: clinical testing. Allele origin: germline.
Comment: The p.I1755M variant (also known as c.5265A>G), located in coding exon 16 of the F5 gene, results from an A to G substitution at nucleotide position 5265. The isoleucine at codon 1755 is replaced by methionine, an amino acid with highly similar properties. This amino acid position is conserved. In addition, this alteration is predicted to be tolerated by in silico analysis. Since supporting evidence is limited at this time, the clinical significance of this alteration remains unclear.

CeGaT Center for Human Genetics Tuebingen
Classification: Uncertain significance. Last evaluated: 2025-10-01. Review status: criteria provided, single submitter. Criteria: CeGaT Center For Human Genetics Tuebingen Variant Classification Criteria Version 2. Collection method: clinical testing. Allele origin: germline. Affected: yes. Observed: 4 variant alleles.

Blueprint Genetics
Classification: Likely benign. Last evaluated: 2024-11-06. Review status: criteria provided, single submitter. Criteria: ACMG Guidelines, 2015. Collection method: clinical testing. Allele origin: germline.

Fulgent Genetics
Classification: Uncertain significance for Thrombophilia due to activated protein C resistance; Congenital factor V deficiency; Budd-Chiari syndrome; Ischemic stroke; Pregnancy loss, recurrent, susceptibility to, 1. Last evaluated: 2018-10-31. Review status: criteria provided, single submitter. Criteria: ACMG Guidelines, 2015. Collection method: clinical testing. Allele origin: unknown.

Illumina Laboratory Services, Illumina
Classification: Uncertain significance for Congenital factor V deficiency. Last evaluated: 2018-01-12. Review status: criteria provided, single submitter. Criteria: ICSL Variant Classification Criteria 13 December 2019. Collection method: clinical testing. Allele origin: germline.

Illumina Laboratory Services, Illumina
Classification: Uncertain significance for Budd-Chiari syndrome. Last evaluated: 2018-01-12. Review status: criteria provided, single submitter. Criteria: ICSL Variant Classification Criteria 13 December 2019. Collection method: clinical testing. Allele origin: germline.

Illumina Laboratory Services, Illumina
Classification: Uncertain significance for Venous thrombosis. Last evaluated: 2018-01-12. Review status: criteria provided, single submitter. Criteria: ICSL Variant Classification Criteria 13 December 2019. Collection method: clinical testing. Allele origin: germline.

ISTH-SSC Genomics in Thrombosis and Hemostasis, KU Leuven, Center for Molecular and Vascular Biology
Classification: Uncertain significance for Thrombophilia due to activated protein C resistance. Review status: criteria provided, single submitter. Criteria: ACMG Guidelines, 2015. Collection method: clinical testing. Allele origin: unknown. Affected: yes. Observed: 1 heterozygote.
Comment: GoldVariant submitter: Kathleen Freson Center for Molecular and Vascular Biology, Leuven, Belgium

ISTH-SSC Genomics in Thrombosis and Hemostasis, KU Leuven, Center for Molecular and Vascular Biology
Classification: Uncertain significance for Hemorrhage. Review status: criteria provided, single submitter. Criteria: ACMG Guidelines, 2015. Collection method: clinical testing. Allele origin: unknown. Affected: yes. Observed: 1 heterozygote.
Comment: the same text as in the submission from ISTH-SSC Genomics in Thrombosis and Hemostasis, KU Leuven, Center for Molecular and Vascular Biology above.

Department of Pathology and Laboratory Medicine, Sinai Health System
Classification: Uncertain significance. Review status: no assertion criteria provided. Collection method: clinical testing. Allele origin: unknown. Affected: yes. Study: The Canadian Open Genetics Repository (COGR). Not counted in ClinVar's aggregate classification.
Comment: The F5 p.Ile1755Met variant was identified in 1 of 312 proband chromosomes (frequency: 0.00321) from individuals or families with predisposition to bleeding (Leinâˆšâˆe_2017_PMID:28748566). The variant was identified in dbSNP (ID: rs41272455) and in ClinVar (classified as uncertain significance by Invitae and Fulgent Genetics for Factor V deficiency). The variant was also identified in control databases in 275 of 282198 chromosomes at a frequency of 0.000974 increasing the likelihood this could be a low frequency benign variant (Genome Aggregation Database Feb 27, 2017). The variant was observed in the following populations: Ashkenazi Jewish in 42 of 10350 chromosomes (freq: 0.004058), Other in 16 of 7188 chromosomes (freq: 0.002226), European (non-Finnish) in 164 of 128618 chromosomes (freq: 0.001275), European (Finnish) in 25 of 25110 chromosomes (freq: 0.000996), Latino in 17 of 35420 chromosomes (freq: 0.00048) and African in 11 of 24956 chromosomes (freq: 0.000441), but was not observed in the East Asian or South Asian populations. The p.Ile1755 residue is not conserved in mammals and computational analyses (PolyPhen-2, SIFT, AlignGVGD, BLOSUM, MutationTaster) do not suggest a high likelihood of impact to the protein; however, this information is not predictive enough to rule out pathogenicity. The variant occurs outside of the splicing consensus sequence and in silico or computational prediction software programs (SpliceSiteFinder, MaxEntScan, NNSPLICE, GeneSplicer) do not predict a difference in splicing. In summary, based on the above information the clinical significance of this variant cannot be determined with certainty at this time. This variant is classified as a variant of uncertain significance.

Literature cited by the submitters: PubMed 34355501 (cited by ISTH-SSC Genomics in Thrombosis and Hemostasis, KU Leuven, Center for Molecular and Vascular Biology).

NM_000130.5(F5):c.5265A>G (p.Ile1755Met)

Gene: F5 (coagulation factor V; minus strand). Cytogenetic location: 1q24.2.
Variant type: single nucleotide variant.
Coding change: c.5265A>G on transcript NM_000130.5 (MANE Select); coding-DNA position 5265, A replaced by G.
Protein change: p.Ile1755Met; replaces isoleucine 1755 with methionine.
Molecular consequence: missense variant.
Genome position (GRCh38, 1-based): chr1:169,529,762, T>C on the plus strand (A>G on the coding strand, the complement: F5 is on the minus strand). VCF-style: chr1-169529762-T-C. GRCh37 (hg19) VCF-style: chr1-169499000-T-C.
Other names: short protein forms I1755M.
Identifiers: ClinVar variation 579171 (VCV000579171.60), dbSNP rs41272455, ClinGen allele CA1233533.